The following is an entry in ClinVar:

ClinVar aggregate classification (germline): Uncertain significance (1 of 4 stars; one submission).

Allele frequency attached by ClinVar (database versions not stated): ExAC 0.00001; ESP Exome Variant Server 0.00008.

Submission:

Labcorp Genetics (formerly Invitae), Labcorp
Classification: Uncertain significance. Last evaluated: 2022-02-23. Review status: criteria provided, single submitter. Criteria: Invitae Variant Classification Sherloc (09022015). Collection method: clinical testing. Allele origin: germline.
Comment: This variant is present in population databases (rs370740471, gnomAD 0.0009%). This variant has not been reported in the literature in individuals affected with CNGB1-related conditions. Advanced modeling of protein sequence and biophysical properties (such as structural, functional, and spatial information, amino acid conservation, physicochemical variation, residue mobility, and thermodynamic stability) performed at Invitae indicates that this missense variant is expected to disrupt CNGB1 protein function. In summary, the available evidence is currently insufficient to determine the role of this variant in disease. Therefore, it has been classified as a Variant of Uncertain Significance. This sequence change replaces glycine, which is neutral and non-polar, with glutamic acid, which is acidic and polar, at codon 1005 of the CNGB1 protein (p.Gly1005Glu).

NM_001297.5(CNGB1):c.3014G>A (p.Gly1005Glu)

Gene: CNGB1 (cyclic nucleotide gated channel subunit beta 1; minus strand). Cytogenetic location: 16q21.
Variant type: single nucleotide variant.
Coding change: c.3014G>A on transcript NM_001297.5 (MANE Select); coding-DNA position 3014, G replaced by A.
Protein change: p.Gly1005Glu; replaces glycine 1005 with glutamic acid.
Molecular consequence: missense variant.
Genome position (GRCh38, 1-based): chr16:57,897,877, C>T on the plus strand (G>A on the coding strand, the complement: CNGB1 is on the minus strand). VCF-style: chr16-57897877-C-T. GRCh37 (hg19) VCF-style: chr16-57931781-C-T.
Other names: c.2996G>A, p.Gly999Glu (NM_001286130.2); short protein forms G1005E, G999E.
Identifiers: ClinVar variation 2030505 (VCV002030505.4), dbSNP rs370740471, ClinGen allele CA8082715.